The following is an entry in ClinVar:

ClinVar aggregate classification (germline): Pathogenic (1 of 4 stars; one submission).

Conditions:
Hereditary spastic paraplegia 11. Also called: Spastic paraplegia, mental retardation and thin corpus callosum; SPASTIC PARAPLEGIA, AUTOSOMAL RECESSIVE, COMPLICATED, WITH THIN CORPUS CALLOSUM; SPASTIC PARAPLEGIA, AUTOSOMAL RECESSIVE, WITH MENTAL IMPAIRMENT AND THIN CORPUS CALLOSUM; Nakamura Osame syndrome; Autosomal recessive hereditary spastic paraplegia, mental impairment, and thin corpus callosum; Spastic Paraplegia 11. Identifiers: Orphanet 2822, MedGen C1858479, MONDO:0011445, OMIM 604360.

Submission:

Labcorp Genetics (formerly Invitae), Labcorp
Classification: Pathogenic for Hereditary spastic paraplegia 11. Last evaluated: 2025-08-23. Review status: criteria provided, single submitter. Criteria: Invitae Variant Classification Sherloc (09022015). Collection method: clinical testing. Allele origin: germline.
Comment: This sequence change creates a premature translational stop signal (p.Gln2081Argfs*6) in the SPG11 gene. It is expected to result in an absent or disrupted protein product. Loss-of-function variants in SPG11 are known to be pathogenic (PMID: 19105190, 20110243, 22154821, 26556829). This variant is not present in population databases (gnomAD no frequency). This variant has not been reported in the literature in individuals affected with SPG11-related conditions. Algorithms developed to predict the effect of sequence changes on RNA splicing suggest that this variant may disrupt the consensus splice site. For these reasons, this variant has been classified as Pathogenic.

Literature cited by the submitters: PubMed 19105190; PubMed 20110243; PubMed 22154821; PubMed 26556829.

NM_025137.4(SPG11):c.6241del (p.Gln2081fs)

Gene: SPG11 (SPG11 vesicle trafficking associated, spatacsin; minus strand). Cytogenetic location: 15q21.1.
Variant type: Deletion.
Coding change: c.6241del on transcript NM_025137.4 (MANE Select); coding-DNA position 6241, one base deleted (C; older notation c.6241delC).
Protein change: p.Gln2081fs; shifts the reading frame from glutamine 2081.
Molecular consequence: frameshift variant.
Genome position (GRCh38, 1-based): chr15:44,572,785, G deleted on the plus strand (C on the coding strand, the reverse complement: SPG11 is on the minus strand); the first of 2 consecutive G bases (chr15:44,572,785-44,572,786); deleting either gives the same sequence. VCF-style (leftmost placement, unchanged base first): chr15-44572784-TG-T. GRCh37 (hg19) VCF-style: chr15-44864982-TG-T.
Other names: c.5902del, p.Gln1968fs (NM_001160227.2); c.6097del, p.Gln2033fs (NM_001411132.1); short protein forms Q1968fs, Q2033fs, Q2081fs.
Identifiers: ClinVar variation 4725470 (VCV004725470.1).